The following is an entry in ClinVar:

NM_001605.3(AARS1):c.339G>C (p.Leu113Phe)

Gene: AARS1 (alanyl-tRNA synthetase 1; minus strand). Cytogenetic location: 16q22.1.
Variant type: single nucleotide variant.
Coding change: c.339G>C on transcript NM_001605.3 (MANE Select); coding-DNA position 339, G replaced by C.
Protein change: p.Leu113Phe; replaces leucine 113 with phenylalanine.
Molecular consequence: missense variant.
Genome position (GRCh38, 1-based): chr16:70,276,626, C>G on the plus strand (G>C on the coding strand, the complement: AARS1 is on the minus strand). VCF-style: chr16-70276626-C-G. GRCh37 (hg19) VCF-style: chr16-70310529-C-G.
Other names: short protein forms L113F.
Identifiers: ClinVar variation 848287 (VCV000848287.7), dbSNP rs1960558852, ClinGen allele CA396569179.

ClinVar aggregate classification (germline): Uncertain significance (1 of 4 stars; one submission).

Conditions:
Charcot-Marie-Tooth disease type 2. Also called: Charcot-Marie-Tooth type 2. Identifiers: Orphanet 64746, MedGen C0270914, MONDO:0018993.

Submission:

Labcorp Genetics (formerly Invitae), Labcorp
Classification: Uncertain significance for Charcot-Marie-Tooth disease type 2. Last evaluated: 2021-10-21. Review status: criteria provided, single submitter. Criteria: Invitae Variant Classification Sherloc (09022015). Collection method: clinical testing. Allele origin: germline.
Comment: This sequence change replaces leucine with phenylalanine at codon 113 of the AARS protein (p.Leu113Phe). The leucine residue is moderately conserved and there is a small physicochemical difference between leucine and phenylalanine. In summary, the available evidence is currently insufficient to determine the role of this variant in disease. Therefore, it has been classified as a Variant of Uncertain Significance. Algorithms developed to predict the effect of missense changes on protein structure and function are either unavailable or do not agree on the potential impact of this missense change (SIFT: "Tolerated"; PolyPhen-2: "Possibly Damaging"; Align-GVGD: "Class C0"). This variant has not been reported in the literature in individuals affected with AARS-related conditions. This variant is not present in population databases (ExAC no frequency).